The following is an entry in ClinVar:

ClinVar aggregate classification (germline): Likely benign. Review status: criteria provided, multiple submitters, no conflicts (2 of 4 stars). 8 submissions from 8 submitters: Likely benign (7). 1 of the submissions does not count toward it. Last evaluated 2026-07-01.

Conditions:
Hereditary cancer-predisposing syndrome. Also called: Neoplastic Syndromes, Hereditary; Tumor predisposition; Hereditary Cancer Syndrome; Hereditary neoplastic syndrome. Identifiers: Orphanet 140162, MedGen C0027672, MeSH D009386, MONDO:0015356.
Multiple endocrine neoplasia, type 2 (MEN2). Identifiers: Orphanet 653, MedGen C4048306, MONDO:0019003. Disease mechanism: gain of function.
Multiple endocrine neoplasia type 2A. Also called: MULTIPLE ENDOCRINE NEOPLASIA, TYPE IIA; PTC SYNDROME; SIPPLE SYNDROME; MEN 2A; MEN-2A syndrome; Pheochromocytoma and amyloid producing medullary thyroid carcinoma. Identifiers: Orphanet 247698, Orphanet 653, MedGen C0025268, MeSH D018813, MONDO:0008234, OMIM 171400.

Allele frequency attached by ClinVar (database versions not stated): ExAC 0.00002; gnomAD 0.00002; TOPMed 0.00002; gnomAD exomes 0.00003.
gnomAD v4.1: 28 of 1,613,698 alleles (0.0017%); highest among the groups gnomAD compares: African/African-American, 0.0027%; no homozygotes.

Submissions (8):

CeGaT Center for Human Genetics Tuebingen
Classification: Likely benign. Last evaluated: 2026-07-01. Review status: criteria provided, single submitter. Criteria: CeGaT Center For Human Genetics Tuebingen Variant Classification Criteria Version 2. Collection method: clinical testing. Allele origin: germline. Affected: yes. Observed: 2 variant alleles.
Comment: RET: BP4, BP7

Labcorp Genetics (formerly Invitae), Labcorp
Classification: Likely benign for Multiple endocrine neoplasia, type 2. Last evaluated: 2026-01-30. Review status: criteria provided, single submitter. Criteria: Invitae Variant Classification Sherloc (09022015). Collection method: clinical testing. Allele origin: germline.

Quest Diagnostics Nichols Institute San Juan Capistrano
Classification: Likely benign. Last evaluated: 2025-01-03. Review status: criteria provided, single submitter. Criteria: Quest Diagnostics criteria. Collection method: clinical testing. Allele origin: unknown.

Blueprint Genetics
Classification: Likely benign. Last evaluated: 2024-10-11. Review status: criteria provided, single submitter. Criteria: ACMG Guidelines, 2015. Collection method: clinical testing. Allele origin: germline.

All of Us Research Program, National Institutes of Health
Classification: Likely benign for Multiple endocrine neoplasia, type 2. Last evaluated: 2024-06-11. Review status: criteria provided, single submitter. Criteria: ACMG Guidelines, 2015. Collection method: clinical testing. Allele origin: germline. Inheritance: Autosomal dominant inheritance. Observed: 9 variant alleles, 9 heterozygotes.
Comment: This study involves interpretation of variants in research participants for the purpose of population health screening. Participant phenotype was not available at the time of variant classification. Additional details can be found in publication PMID: 35346344, PMCID: PMC8962531

Color Diagnostics, LLC DBA Color Health
Classification: Likely benign for Multiple endocrine neoplasia, type 2. Last evaluated: 2024-03-28. Review status: criteria provided, single submitter. Criteria: ACMG Guidelines, 2015. Collection method: clinical testing. Allele origin: germline.

Ambry Genetics
Classification: Likely benign for Hereditary cancer-predisposing syndrome. Last evaluated: 2015-06-02. Review status: criteria provided, single submitter. Criteria: Ambry Variant Classification Scheme 2023. Collection method: clinical testing. Allele origin: germline.

Counsyl
Classification: Likely benign for Multiple endocrine neoplasia type 2A. Last evaluated: 2018-03-26. Review status: no assertion criteria provided. Collection method: clinical testing. Allele origin: unknown. Not counted in ClinVar's aggregate classification.

NM_020975.6(RET):c.1188G>A (p.Ser396=)

Gene: RET (ret proto-oncogene; plus strand). Cytogenetic location: 10q11.21.
Variant type: single nucleotide variant.
Coding change: c.1188G>A on transcript NM_020975.6 (MANE Select); coding-DNA position 1188, G replaced by A.
Protein change: p.Ser396=; no amino-acid change (serine 396 retained).
Molecular consequence: synonymous variant. On other transcripts: intron variant (18).
Genome position (GRCh38, 1-based): chr10:43,109,155, G>A. VCF-style: chr10-43109155-G-A. GRCh37 (hg19) VCF-style: chr10-43604603-G-A.
Other names: c.1188G>A, p.Ser396= (NM_000323.2, NM_001406743.1, NM_001406744.1 and 6 more transcripts); c.426G>A, p.Ser142= (NM_001355216.2); c.1059G>A, p.Ser353= (NM_001406761.1, NM_001406762.1, NM_001406764.1 and 1 more transcripts); c.900G>A, p.Ser300= (NM_001406766.1, NM_001406767.1, NM_001406770.1); c.750G>A, p.Ser250= (NM_001406771.1, NM_001406773.1); c.462G>A, p.Ser154= (NM_001406775.1, NM_001406776.1, NM_001406777.1 and 1 more transcripts); c.198G>A, p.Ser66= (NM_001406784.1); c.868-2052G>A (NM_001406772.1, NM_001406769.1); and 5 more.
Identifiers: ClinVar variation 216714 (VCV000216714.43), dbSNP rs758510657, ClinGen allele CA032062.